The following is an entry in ClinVar:

ClinVar aggregate classification (germline): Pathogenic. Review status: reviewed by expert panel (3 of 4 stars). 14 submissions from 14 submitters: Pathogenic (1). 13 of the submissions do not count toward it. Last evaluated 2024-09-18.

Conditions:
HNF4A-related disorder. Also called: HNF4A-related condition.
Monogenic diabetes. Identifiers: Orphanet 183625, MedGen C3888631, MONDO:0015967.
Maturity-onset diabetes of the young (MODY). Also called: Maturity onset diabetes mellitus in young. Identifiers: Orphanet 552, MedGen C0342276, MONDO:0018911, HP:0004904.
HNF4A-related disorders.
Maturity-onset diabetes of the young type 1. Also called: MODY, type I; MILD JUVENILE DIABETES MELLITUS; MODY type 1; Diabetes mellitus MODY type 1; MODY HNF4A related; HNF4A-Related Maturity-Onset Diabetes of the Young Type 1. Identifiers: Orphanet 552, MedGen C1852093, MONDO:0007452, OMIM 125850. Disease mechanism: loss of function.

Allele frequency attached by ClinVar (database versions not stated): gnomAD exomes below 0.00001; TOPMed 0.00001.
gnomAD v4.1: 5 of 1,613,468 alleles (0.00031%); highest among the groups gnomAD compares: Admixed American, 0.0033%; no homozygotes.

Submissions 1 to 5 of 14:

ClinGen Monogenic Diabetes Variant Curation Expert Panel
Classification: Pathogenic for Monogenic diabetes. Last evaluated: 2024-09-18. Review status: reviewed by expert panel. Criteria: ClinGen Diabetes ACMG Specifications HNF4A V2.0.0. Collection method: curation. Allele origin: germline. Inheritance: Autosomal dominant inheritance.
Comment: The c.932G>A variant in the hepatocyte nuclear factor 4 alpha gene, HNF4A, causes an amino acid change of arginine to histidine at codon 311 (p.(Arg311His)) of NM_175914.5. This variant has an incomputable gnomAD v2.1.1 Grpmax filtering allele frequency due to absence in the European non-Finnish subpopulation and 1 copy in the East Asian subpopulation, thereby meeting the ClinGen MDEP threshold criteria for PM2_Supporting (ENF GrpmaxPopmax FAF <= 0.000003 and <= 2 copies in ENF and <=1 copy in any other subpopulation) (PM2_Supporting). This variant is predicted to be deleterious by computational evidence, with a REVEL score of 0.91, which is greater than the MDEP VCEP threshold of 0.70 (PP3). This variant is located within the ligand-binding domain (codons 300-350) of HNF4A, which is defined as critical for the protein's function by the ClinGen MDEP (PM1_Supporting). This variant was identified in 7 unrelated individuals with non-autoimmune and non-absolute/near-absolute insulin-deficient diabetes (PS4; PMID: 25414397, 24947580 26059258, 32533152; internal lab contributors). This variant was identified in at least two individuals with a clinical history highly specific for HNF4A-MODY monogenic diabetes (MODY probability calculator result >50%, negative genetic testing for HNF1A, and negative antibodies; and family history of LGA/hypoglycemic infant) (PP4_Moderate; PMID: 24947580, internal lab contributors). This variant segregated with diabetes, with 12 informative meioses in 4 families (PP1_Strong; PMIDs: 24947580, 26059258, 32533152, internal lab contributors). Another missense variant, p.(Arg311Cys), has been classified as pathogenic by the ClinGen MDEP but has a greater Grantham distance than p.(Arg311His) (PM5_Supporting). In summary, c.932G>A meets the criteria to be classified as pathogenic for monogenic diabetes. ACMG/AMP criteria applied, as specified by the ClinGen MDEP VCEP (specification version 2.0.0, approved 10/11/2023): PM2_Supporting, PP3, PM1_Supporting, PS4, PP4_Moderate, PP1_Strong, PM5_Supporting.

PreventionGenetics, part of Exact Sciences
Classification: Pathogenic for HNF4A-related condition. Last evaluated: 2026-09-24. Review status: criteria provided, single submitter. Criteria: ACMG Guidelines, 2015. Collection method: clinical testing. Allele origin: germline. Not counted in ClinVar's aggregate classification.
Comment: The HNF4A c.932G>A variant is predicted to result in the amino acid substitution p.Arg311His. This variant is alternatively referred to as p.Arg323His using legacy nomenclature. This variant has been reported in multiple individuals with maturity-onset diabetes of the young (MODY, see for example, Price et al. 2000. PubMed ID: 10768098; Delvecchio et al. 2014. PubMed ID: 25414397; Mirshahi et al. 2022. PubMed ID: 36257325). This variant resides in a highly conserved domain and was predicted to be probably damaging (Delvecchio et al. 2014. PubMed ID: 24947580). Alternate nucleotide changes affecting the same amino acid (p.Arg311Cys; p.Arg311Pro; p.Arg311Ser) have been reported in individuals with MODY (see for example, Globa et al. 2017. PubMed ID: 28862987; Vlachopapadopoulou et al. 2021. PubMed ID: 33031054; Supplemental Table 1, Warncke et al. 2019. PubMed ID: 30535056). This variant has conflicting classifications listed in ClinVar ranging from uncertain to pathogenic. This variant is reported in 0.0055% of alleles in individuals of East Asian descent in gnomAD. This variant is interpreted as likely pathogenic.

Ambry Genetics
Classification: Pathogenic for Maturity-onset diabetes of the young. Last evaluated: 2026-01-06. Review status: criteria provided, single submitter. Criteria: Ambry Variant Classification Scheme 2023. Collection method: clinical testing. Allele origin: germline. Not counted in ClinVar's aggregate classification.
Comment: The p.R311H variant (also known as c.932G>A), located in coding exon 8 of the HNF4A gene, results from a G to A substitution at nucleotide position 932. The arginine at codon 311 is replaced by histidine, an amino acid with highly similar properties. This variant was identified in one or more individuals with features consistent with maturity-onset diabetes of the young (Price JA et al. Diabetologia, 2000 Mar;43:364-72; Tsoi STF et al. Diabetes Metab Res Rev, 2024 Jul;40:e3823; Chambers C et al. Pediatr Diabetes, 2016 08;17:360-7; Delvecchio M et al. Diabetes Care, 2014 Dec;37:e258-60; Ambry internal data; external communication) and segregated with disease in at least one family (Chambers C et al. Pediatr Diabetes, 2016 08;17:360-7; Delvecchio M et al. Diabetes Care, 2014 Dec;37:e258-60; National Center for Biotechnology Information. ClinVar; [VCV000586023.27], (accessed Dec. 26 2025). Note, this variant is also referred to as p.R333H and p.R324H in the literature. In multiple assays testing HNF4A function, this variant showed functionally normal and functionally abnormal results (Oxombre B et al. J. Mol. Med., 2002 Jul;80:423-30; Aggelidou E et al. FEBS J, 2006 May;273:1948-58; Chandra V et al. Nature, 2013 Mar;495:394-8). This amino acid position is highly conserved in available vertebrate species. In addition, this alteration is predicted to be deleterious by in silico analysis. This variant is considered to be rare based on population cohorts in the Genome Aggregation Database (gnomAD). Based on the supporting evidence, this variant is interpreted as a disease-causing mutation.

Women's Health and Genetics/Laboratory Corporation of America, LabCorp
Classification: Likely pathogenic for Maturity-onset diabetes of the young. Last evaluated: 2025-12-26. Review status: criteria provided, single submitter. Criteria: LabCorp Variant Classification Summary - May 2015. Collection method: clinical testing. Allele origin: germline. Not counted in ClinVar's aggregate classification.
Comment: Variant summary: HNF4A c.932G>A (p.Arg311His) results in a non-conservative amino acid change located in the Nuclear hormone receptor, ligand-binding domain (IPR000536) of the encoded protein sequence. Algorithms developed to predict the effect of missense changes on protein structure and function all suggest that this variant is likely to be disruptive. The variant allele was found at a frequency of 4e-06 in 248800 control chromosomes.c.932G>A has been reported in the literature as segregating with a clinically heterogeneous phenotype of MODY in at-least one family, in studies of subjects reporting diabetic nephropathy and studies reporting a clinically characterized phenotype of MODY with subsequent citations by others (Caswell_2020, Chambers_2016, Delvecchio_2014, Majidi_2018, Marucci_2023, Price_2000). These data indicate that the variant is likely to be associated with disease. A different variant affecting the same codon has been classified as likely pathogenic/pathogenic by our lab (c.931C>T, p.Arg311Cys), supporting the critical relevance of codon 311 to HNF4A protein function. At least two publications report experimental evidence evaluating an impact on protein function (Aggelidou_2006, Oxombre_2002). The following publications have been ascertained in the context of this evaluation (PMID: 12110948, 10768098, 29355436, 25414397, 26059258, 32533152, 16640558, 24947580, 36227502, 30648609). ClinVar contains an entry for this variant (Variation ID: 586023). Based on the evidence outlined above, the variant was classified as likely pathogenic.

Variantyx, Inc.
Classification: Pathogenic for Maturity-onset diabetes of the young type 1. Last evaluated: 2025-12-09. Review status: criteria provided, single submitter. Criteria: Variantyx Assertion Criteria 2022. Collection method: clinical testing. Allele origin: germline. Inheritance: Autosomal dominant inheritance. Affected: no. Not counted in ClinVar's aggregate classification.
Comment: This is a nonsynonymous variant in the HNF4A gene (OMIM: 600281). Pathogenic variants in this gene have been associated with autosomal dominant MODY type I. This variant has been reported in several unrelated affected individuals (PMID: 33950347, 36227502, 36257325, 32533152, 25414397, 24947580, 10768098) (PS4), and it has been observed to segregate with disease in at least 12 individuals from 11families (PMID: 24947580, 26059258, 32533152) (PP1). An alternate amino acid change at this position (p.Arg311Cys) has been previously reported in similarly affected individuals, which suggests that this residue is biologically important (PMID:¬29417725, 28862987, 36257325, 35089870) (PM5_Supporting), and multiple computational algorithms predict a deleterious effect for this variant (REVEL score: 0.91) (PP3). This variant has a 0.0033% maximum allele frequency in non-founder control populations (PM2). Based on the current evidence, this variant is classified as pathogenic for autosomal dominant MODY type I.

NM_175914.5(HNF4A):c.932G>A (p.Arg311His)

Gene: HNF4A (hepatocyte nuclear factor 4 alpha; plus strand). Cytogenetic location: 20q13.12.
Variant type: single nucleotide variant.
Coding change: c.932G>A on transcript NM_175914.5 (MANE Select); coding-DNA position 932, G replaced by A.
Protein change: p.Arg311His; replaces arginine 311 with histidine.
Molecular consequence: missense variant.
Genome position (GRCh38, 1-based): chr20:44,424,123, G>A. VCF-style: chr20-44424123-G-A. GRCh37 (hg19) VCF-style: chr20-43052763-G-A.
Other names: NG_009818.1:g.73323G>A; NM_175914.5:c.932G>A; NM_175914.5(HNF4A):c.932G>A; p.Arg311His; c.932G>A (NM_175914.3); c.998G>A, p.Arg333His (NM_000457.6, NM_178849.3, NM_178850.3); c.932G>A, p.Arg311His (NM_001030003.3, NM_001030004.3); c.977G>A, p.Arg326His (NM_001258355.2); and 1 more; short protein forms R308H, R311H, R333H, R326H.
Identifiers: ClinVar variation 586023 (VCV000586023.33), dbSNP rs1375557127, ClinGen allele CA409108268.